The following is an entry in ClinVar:

ClinVar aggregate classification (germline): Uncertain significance. Review status: criteria provided, multiple submitters, no conflicts (2 of 4 stars). 3 submissions from 3 submitters: Uncertain significance (3). Last evaluated 2025-07-12.

Conditions:
Familial cancer of breast. Also called: BREAST CANCER, FAMILIAL; Hereditary breast cancer; hereditary breast carcinoma. Identifiers: Orphanet 227535, MedGen C0346153, MONDO:0016419, OMIM 114480. Disease mechanism: loss of function.
Hereditary cancer-predisposing syndrome. Also called: Neoplastic Syndromes, Hereditary; Tumor predisposition; Hereditary Cancer Syndrome; Hereditary neoplastic syndrome. Identifiers: Orphanet 140162, MedGen C0027672, MeSH D009386, MONDO:0015356.

Submissions (3):

Ambry Genetics
Classification: Uncertain significance for Hereditary cancer-predisposing syndrome. Last evaluated: 2025-07-12. Review status: criteria provided, single submitter. Criteria: Ambry Variant Classification Scheme 2023. Collection method: clinical testing. Allele origin: germline.
Comment: The p.C824Y variant (also known as c.2471G>A), located in coding exon 5 of the PALB2 gene, results from a G to A substitution at nucleotide position 2471. The cysteine at codon 824 is replaced by tyrosine, an amino acid with highly dissimilar properties. This amino acid position is not well conserved in available vertebrate species. In addition, this alteration is predicted to be tolerated by in silico analysis. Since supporting evidence is limited at this time, the clinical significance of this alteration remains unclear.

Labcorp Genetics (formerly Invitae), Labcorp
Classification: Uncertain significance for Familial cancer of breast. Last evaluated: 2023-08-24. Review status: criteria provided, single submitter. Criteria: Invitae Variant Classification Sherloc (09022015). Collection method: clinical testing. Allele origin: germline.
Comment: In summary, the available evidence is currently insufficient to determine the role of this variant in disease. Therefore, it has been classified as a Variant of Uncertain Significance. Advanced modeling of protein sequence and biophysical properties (such as structural, functional, and spatial information, amino acid conservation, physicochemical variation, residue mobility, and thermodynamic stability) performed at Invitae indicates that this missense variant is not expected to disrupt PALB2 protein function. ClinVar contains an entry for this variant (Variation ID: 821343). This variant has not been reported in the literature in individuals affected with PALB2-related conditions. This variant is not present in population databases (gnomAD no frequency). This sequence change replaces cysteine, which is neutral and slightly polar, with tyrosine, which is neutral and polar, at codon 824 of the PALB2 protein (p.Cys824Tyr).

GeneDx
Classification: Uncertain significance. Last evaluated: 2022-11-11. Review status: criteria provided, single submitter. Criteria: GeneDx Variant Classification Process June 2021. Collection method: clinical testing. Allele origin: germline. Affected: yes.
Comment: Not observed at significant frequency in large population cohorts (gnomAD); In silico analysis supports that this missense variant has a deleterious effect on protein structure/function; Has not been previously published as pathogenic or benign to our knowledge; This variant is associated with the following publications: (PMID: 24485656)

NM_024675.4(PALB2):c.2471G>A (p.Cys824Tyr)

Gene: PALB2 (partner and localizer of BRCA2; minus strand). Cytogenetic location: 16p12.2.
Variant type: single nucleotide variant.
Coding change: c.2471G>A on transcript NM_024675.4 (MANE Select); coding-DNA position 2471, G replaced by A.
Protein change: p.Cys824Tyr; replaces cysteine 824 with tyrosine.
Molecular consequence: missense variant.
Genome position (GRCh38, 1-based): chr16:23,629,683, C>T on the plus strand (G>A on the coding strand, the complement: PALB2 is on the minus strand). VCF-style: chr16-23629683-C-T. GRCh37 (hg19) VCF-style: chr16-23641004-C-T.
Other names: short protein forms C824Y.
Identifiers: ClinVar variation 821343 (VCV000821343.16), dbSNP rs1597088831, ClinGen allele CA395124074.